The following is an entry in ClinVar:

NM_015214.3(DDHD2):c.1526T>C (p.Ile509Thr)

Gene: DDHD2 (DDHD domain containing 2; plus strand). Cytogenetic location: 8p11.23.
Variant type: single nucleotide variant.
Coding change: c.1526T>C on transcript NM_015214.3 (MANE Select); coding-DNA position 1526, T replaced by C.
Protein change: p.Ile509Thr; replaces isoleucine 509 with threonine.
Molecular consequence: missense variant. On other transcripts: non-coding transcript variant (2).
Genome position (GRCh38, 1-based): chr8:38,252,196, T>C. VCF-style: chr8-38252196-T-C. GRCh37 (hg19) VCF-style: chr8-38109714-T-C.
Other names: p.Ile509Thr; c.1526T>C, p.Ile509Thr (NM_001164232.2, NM_001362911.2, NM_001362912.2 and 1 more transcripts); c.1436T>C, p.Ile479Thr (NM_001362913.2); short protein forms I479T, I509T.
Identifiers: ClinVar variation 1449861 (VCV001449861.9), dbSNP rs748099521, ClinGen allele CA4716286.
Genomic context (GRCh38, chr8:38,252,196, plus strand): 5'-CTGTGAAATACCCCCGGCTCATCTATAAACCAGAGATATTCTTTGCCTTTGGATCTCCCA[T>C]TGGAATGTTCCTTACTGTCCGAGGACTAAAAAGAATTGATCCCAACTACAGATTTCCAAC-3'
Protein context (NP_056029.2, residues 499-519): PEIFFAFGSP[Ile509Thr]GMFLTVRGLK

ClinVar aggregate classification (germline): Uncertain significance. Review status: criteria provided, multiple submitters, no conflicts (2 of 4 stars). 2 submissions from 2 submitters: Uncertain significance (2). Last evaluated 2024-12-09.

Conditions:
Hereditary spastic paraplegia 54. Also called: Spastic paraplegia 54, autosomal recessive. Identifiers: Orphanet 320380, MedGen C3539495, MONDO:0014018, OMIM 615033.

Allele frequency attached by ClinVar (database versions not stated): gnomAD exomes below 0.00001 and 0.00001; gnomAD 0.00001; ExAC 0.00002.
gnomAD v4.1: 3 of 1,614,094 alleles (0.00019%); highest among the groups gnomAD compares: Non-Finnish European, 0.00025%; no homozygotes.

Submissions (2):

Labcorp Genetics (formerly Invitae), Labcorp
Classification: Uncertain significance for Hereditary spastic paraplegia 54. Last evaluated: 2024-12-09. Review status: criteria provided, single submitter. Criteria: Invitae Variant Classification Sherloc (09022015). Collection method: clinical testing. Allele origin: germline.
Comment: This sequence change replaces isoleucine, which is neutral and non-polar, with threonine, which is neutral and polar, at codon 509 of the DDHD2 protein (p.Ile509Thr). This variant is present in population databases (rs748099521, gnomAD 0.002%). This variant has not been reported in the literature in individuals affected with DDHD2-related conditions. ClinVar contains an entry for this variant (Variation ID: 1449861). Invitae Evidence Modeling of protein sequence and biophysical properties (such as structural, functional, and spatial information, amino acid conservation, physicochemical variation, residue mobility, and thermodynamic stability) has been performed for this missense variant. However, the output from this modeling did not meet the statistical confidence thresholds required to predict the impact of this variant on DDHD2 protein function. In summary, the available evidence is currently insufficient to determine the role of this variant in disease. Therefore, it has been classified as a Variant of Uncertain Significance.

Mayo Clinic Laboratories, Mayo Clinic
Classification: Uncertain significance. Last evaluated: 2021-06-17. Review status: criteria provided, single submitter. Criteria: ACMG Guidelines, 2015. Collection method: clinical testing. Allele origin: germline.